The following is an entry in ClinVar:

NM_015425.6(POLR1A):c.1814G>A (p.Arg605Gln)

Genes: POLR1A (RNA polymerase I subunit A; minus strand), LOC126806264 (MED14-independent group 3 enhancer GRCh37_chr2:86296595-86297794; plus strand). Cytogenetic location: 2p11.2.
Variant type: single nucleotide variant.
Coding change: c.1814G>A on transcript NM_015425.6 (MANE Select); coding-DNA position 1814, G replaced by A.
Protein change: p.Arg605Gln; replaces arginine 605 with glutamine.
Molecular consequence: missense variant.
Genome position (GRCh38, 1-based): chr2:86,070,070, C>T on the plus strand (G>A on the coding strand, the complement: POLR1A is on the minus strand). VCF-style: chr2-86070070-C-T. GRCh37 (hg19) VCF-style: chr2-86297193-C-T.
Other names: short protein forms R605Q.
Identifiers: ClinVar variation 2723476 (VCV002723476.3), dbSNP rs1380616934, ClinGen allele CA347548177.
Genomic context (GRCh38, chr2:86,070,070, plus strand): 5'-AGACCTACCTTGGGAACAAGGTACTGCTGATCAGTGCAGGCCAGGACGTAGGCCTCGGCC[C>T]GGCCCAGCTCACTCTGGGGGAAATGGGCATTCATCTCGTCTCCATCAAAGTCGGCATTAT-3'
Protein context (NP_056240.2, residues 595-615): NAHFPQSELG[Arg605Gln]AEAYVLACTD

ClinVar aggregate classification (germline): Uncertain significance (1 of 4 stars; one submission).

Allele frequency attached by ClinVar (database versions not stated): gnomAD exomes 0.00001.
gnomAD v4.1: 4 of 1,614,062 alleles (0.00025%); highest among the groups gnomAD compares: South Asian, 0.0022%; no homozygotes.

Submission:

Labcorp Genetics (formerly Invitae), Labcorp
Classification: Uncertain significance. Last evaluated: 2024-04-25. Review status: criteria provided, single submitter. Criteria: Invitae Variant Classification Sherloc (09022015). Collection method: clinical testing. Allele origin: germline.
Comment: This sequence change replaces arginine, which is basic and polar, with glutamine, which is neutral and polar, at codon 605 of the POLR1A protein (p.Arg605Gln). This variant is present in population databases (no rsID available, gnomAD 0.01%). This variant has not been reported in the literature in individuals affected with POLR1A-related conditions. Advanced modeling of protein sequence and biophysical properties (such as structural, functional, and spatial information, amino acid conservation, physicochemical variation, residue mobility, and thermodynamic stability) has been performed at Invitae for this missense variant, however the output from this modeling did not meet the statistical confidence thresholds required to predict the impact of this variant on POLR1A protein function. In summary, the available evidence is currently insufficient to determine the role of this variant in disease. Therefore, it has been classified as a Variant of Uncertain Significance.